The following is an entry in ClinVar:

NM_001010909.5(MUC21):c.519C>G (p.Thr173=)

Gene: MUC21 (mucin 21, cell surface associated; plus strand). Cytogenetic location: 6p21.33.
Variant type: single nucleotide variant.
Coding change: c.519C>G on transcript NM_001010909.5 (MANE Select); coding-DNA position 519, C replaced by G.
Protein change: p.Thr173=; no amino-acid change (threonine 173 retained).
Molecular consequence: synonymous variant. On other transcripts: non-coding transcript variant (1).
Genome position (GRCh38, 1-based): chr6:30,986,694, C>G. VCF-style: chr6-30986694-C-G. GRCh37 (hg19) VCF-style: chr6-30954471-C-G.
Identifiers: ClinVar variation 4820708 (VCV004820708.4).

ClinVar aggregate classification (germline): Likely benign (1 of 4 stars; one submission).

Submission:

CeGaT Center for Human Genetics Tuebingen
Classification: Likely benign. Last evaluated: 2026-02-01. Review status: criteria provided, single submitter. Criteria: CeGaT Center For Human Genetics Tuebingen Variant Classification Criteria Version 2. Collection method: clinical testing. Allele origin: germline. Affected: yes. Observed: 1 variant allele.
Comment: MUC21: BP4, BP7